The following is an entry in ClinVar:

ClinVar aggregate classification (germline): Uncertain significance (1 of 4 stars; one submission).

Conditions:
Developmental and epileptic encephalopathy, 32 (DEE32). Also called: Epileptic encephalopathy, early infantile, 32. Identifiers: Orphanet 442835, MedGen C4225350, MONDO:0014607, OMIM 616366.

Submission:

Labcorp Genetics (formerly Invitae), Labcorp
Classification: Uncertain significance for Developmental and epileptic encephalopathy, 32. Last evaluated: 2024-09-03. Review status: criteria provided, single submitter. Criteria: Invitae Variant Classification Sherloc (09022015). Collection method: clinical testing. Allele origin: germline.
Comment: This sequence change creates a premature translational stop signal (p.Arg240Serfs*19) in the KCNA2 gene. While this is not anticipated to result in nonsense mediated decay, it is expected to disrupt the last 260 amino acid(s) of the KCNA2 protein. This variant is not present in population databases (gnomAD no frequency). This variant has not been reported in the literature in individuals affected with KCNA2-related conditions. In summary, the available evidence is currently insufficient to determine the role of this variant in disease. Therefore, it has been classified as a Variant of Uncertain Significance.

NM_004974.4(KCNA2):c.720_721del (p.Arg240fs)

Gene: KCNA2 (potassium voltage-gated channel subfamily A member 2; minus strand). Cytogenetic location: 1p13.3.
Variant type: Deletion.
Coding change: c.720_721del on transcript NM_004974.4 (MANE Select); coding-DNA positions 720 to 721, 2 bases deleted (GT; older notation c.720_721delGT).
Protein change: p.Arg240fs; shifts the reading frame from arginine 240.
Molecular consequence: frameshift variant.
Genome position (GRCh38, 1-based): chr1:110,604,062-110,604,063, AC deleted on the plus strand (GT on the coding strand, the reverse complement: KCNA2 is on the minus strand). VCF-style (leftmost placement, unchanged base first): chr1-110604061-AAC-A. GRCh37 (hg19) VCF-style: chr1-111146683-AAC-A.
Other names: c.720_721del, p.Arg240fs (NM_001204269.2); short protein forms R240fs.
Identifiers: ClinVar variation 2808602 (VCV002808602.3), dbSNP rs2524619387, ClinGen allele CA2739275182.